The following is an entry in ClinVar:

ClinVar aggregate classification (germline): Uncertain significance (1 of 4 stars; one submission).

Conditions:
Progressive familial heart block type IB (PFHB1B). Identifiers: Orphanet 871, MedGen C1970298, MONDO:0011474, OMIM 604559.

Submission:

Labcorp Genetics (formerly Invitae), Labcorp
Classification: Uncertain significance for Progressive familial heart block type IB. Last evaluated: 2022-03-26. Review status: criteria provided, single submitter. Criteria: Invitae Variant Classification Sherloc (09022015). Collection method: clinical testing. Allele origin: germline.
Comment: In summary, the available evidence is currently insufficient to determine the role of this variant in disease. Therefore, it has been classified as a Variant of Uncertain Significance. Algorithms developed to predict the effect of missense changes on protein structure and function are either unavailable or do not agree on the potential impact of this missense change (SIFT: "Tolerated"; PolyPhen-2: "Possibly Damaging"; Align-GVGD: "Class C15"). This variant has not been reported in the literature in individuals affected with TRPM4-related conditions. This variant is not present in population databases (gnomAD no frequency). This sequence change replaces aspartic acid, which is acidic and polar, with tyrosine, which is neutral and polar, at codon 651 of the TRPM4 protein (p.Asp651Tyr).

NM_017636.4(TRPM4):c.1951G>T (p.Asp651Tyr)

Gene: TRPM4 (transient receptor potential cation channel subfamily M member 4; plus strand). Cytogenetic location: 19q13.33.
Variant type: single nucleotide variant.
Coding change: c.1951G>T on transcript NM_017636.4 (MANE Select); coding-DNA position 1951, G replaced by T.
Protein change: p.Asp651Tyr; replaces aspartic acid 651 with tyrosine.
Molecular consequence: missense variant.
Genome position (GRCh38, 1-based): chr19:49,189,023, G>T. VCF-style: chr19-49189023-G-T. GRCh37 (hg19) VCF-style: chr19-49692280-G-T.
Other names: c.1951G>T, p.Asp651Tyr (NM_001195227.2); c.1606G>T, p.Asp536Tyr (NM_001321281.2); c.343G>T, p.Asp115Tyr (NM_001321282.2); c.1429G>T, p.Asp477Tyr (NM_001321283.2); c.889G>T, p.Asp297Tyr (NM_001321285.2); short protein forms D115Y, D536Y, D651Y, D297Y, D477Y.
Identifiers: ClinVar variation 2117823 (VCV002117823.4), dbSNP rs758539676, ClinGen allele CA406803940.